The following is an entry in ClinVar:

NM_003072.5(SMARCA4):c.2012A>G (p.Glu671Gly)

Gene: SMARCA4 (SWI/SNF related BAF chromatin remodeling complex subunit ATPase 4; plus strand). Cytogenetic location: 19p13.2.
Variant type: single nucleotide variant.
Coding change: c.2012A>G on transcript NM_003072.5 (MANE Select); coding-DNA position 2012, A replaced by G.
Protein change: p.Glu671Gly; replaces glutamic acid 671 with glycine.
Molecular consequence: missense variant. On other transcripts: non-coding transcript variant (1).
Genome position (GRCh38, 1-based): chr19:11,007,912, A>G. VCF-style: chr19-11007912-A-G. GRCh37 (hg19) VCF-style: chr19-11118588-A-G.
Other names: c.2012A>G, p.Glu671Gly (NM_001128844.3, NM_001128845.2, NM_001128846.2 and 6 more transcripts); short protein forms E671G.
Identifiers: ClinVar variation 3572205 (VCV003572205.3).

ClinVar aggregate classification (germline): Uncertain significance. Review status: criteria provided, multiple submitters, no conflicts (2 of 4 stars). 2 submissions from 2 submitters: Uncertain significance (2). Last evaluated 2026-01-11.

Conditions:
Rhabdoid tumor predisposition syndrome 2 (RTPS2). Identifiers: Orphanet 231108, Orphanet 69077, MedGen C2750074, MONDO:0013224, OMIM 613325.

Submissions (2):

Labcorp Genetics (formerly Invitae), Labcorp
Classification: Uncertain significance for Rhabdoid tumor predisposition syndrome 2. Last evaluated: 2026-01-11. Review status: criteria provided, single submitter. Criteria: Invitae Variant Classification Sherloc (09022015). Collection method: clinical testing. Allele origin: germline.
Comment: This sequence change replaces glutamic acid, which is acidic and polar, with glycine, which is neutral and non-polar, at codon 671 of the SMARCA4 protein (p.Glu671Gly). This variant is not present in population databases (gnomAD no frequency). This variant has not been reported in the literature in individuals affected with SMARCA4-related conditions. ClinVar contains an entry for this variant (Variation ID: 3572205). Invitae Evidence Modeling of protein sequence and biophysical properties (such as structural, functional, and spatial information, amino acid conservation, physicochemical variation, residue mobility, and thermodynamic stability) has been performed for this missense variant. However, the output from this modeling did not meet the statistical confidence thresholds required to predict the impact of this variant on SMARCA4 protein function. In summary, the available evidence is currently insufficient to determine the role of this variant in disease. Therefore, it has been classified as a Variant of Uncertain Significance.

Quest Diagnostics Nichols Institute San Juan Capistrano
Classification: Uncertain significance. Last evaluated: 2024-11-15. Review status: criteria provided, single submitter. Criteria: Quest Diagnostics criteria. Collection method: clinical testing. Allele origin: unknown.
Comment: The SMARCA4 c.2012A>G (p.Glu671Gly) variant has not been reported in individuals with SMARCA4-related conditions in the published literature. It also has not been reported in large, multi-ethnic general populations (Genome Aggregation Database). Analysis of this variant using bioinformatics tools for the prediction of the effect of amino acid changes on protein structure and function yielded predictions that this variant is benign. Based on the available information, we are unable to determine the clinical significance of this variant.